The following is an entry in ClinVar:

ClinVar aggregate classification (germline): Conflicting classifications of pathogenicity. Review status: criteria provided, conflicting classifications (1 of 4 stars). 4 submissions from 4 submitters: Uncertain significance (3); Likely benign (1). Last evaluated 2025-12-20.

Conditions:
Hereditary cancer-predisposing syndrome. Also called: Hereditary neoplastic syndrome; Neoplastic Syndromes, Hereditary; Tumor predisposition; Hereditary Cancer Syndrome. Identifiers: Orphanet 140162, MedGen C0027672, MeSH D009386, MONDO:0015356.
Multiple endocrine neoplasia type 4. Also called: MULTIPLE ENDOCRINE NEOPLASIA, TYPE IV. Identifiers: Orphanet 276152, MedGen C1970712, MONDO:0012552, OMIM 610755.

Allele frequency attached by ClinVar (database versions not stated): gnomAD exomes below 0.00001; TOPMed below 0.00001; ExAC 0.00001.

Submissions (4):

Labcorp Genetics (formerly Invitae), Labcorp
Classification: Uncertain significance for Multiple endocrine neoplasia type 4. Last evaluated: 2025-12-20. Review status: criteria provided, single submitter. Criteria: Invitae Variant Classification Sherloc (09022015). Collection method: clinical testing. Allele origin: germline.
Comment: This sequence change replaces threonine, which is neutral and polar, with isoleucine, which is neutral and non-polar, at codon 162 of the CDKN1B protein (p.Thr162Ile). This variant is present in population databases (rs774965131, gnomAD 0.0009%). This variant has not been reported in the literature in individuals affected with CDKN1B-related conditions. ClinVar contains an entry for this variant (Variation ID: 485509). An algorithm developed to predict the effect of missense changes on protein structure and function (PolyPhen-2) suggests that this variant is likely to be tolerated. In summary, the available evidence is currently insufficient to determine the role of this variant in disease. Therefore, it has been classified as a Variant of Uncertain Significance.

Ambry Genetics
Classification: Likely benign for Hereditary cancer-predisposing syndrome. Last evaluated: 2023-11-28. Review status: criteria provided, single submitter. Criteria: Ambry Variant Classification Scheme 2023. Collection method: clinical testing. Allele origin: germline.

GeneDx
Classification: Uncertain significance. Last evaluated: 2022-09-08. Review status: criteria provided, single submitter. Criteria: GeneDx Variant Classification Process June 2021. Collection method: clinical testing. Allele origin: germline. Affected: yes.
Comment: Not observed at significant frequency in large population cohorts (gnomAD); In silico analysis supports that this missense variant does not alter protein structure/function; Has not been previously published as pathogenic or benign to our knowledge

Sema4
Classification: Uncertain significance for Hereditary cancer-predisposing syndrome. Last evaluated: 2021-07-04. Review status: criteria provided, single submitter. Criteria: Sema4 Curation Guidelines. Collection method: curation. Allele origin: germline.
Comment: The CDKN1B c.485C>T (p.T162I ) variant has not been reported in the literature to our knowledge. It was observed in 1/113694 chromosomes of the Non-Finnish European subpopulation in the large and broad cohorts of the Genome Aggregation Database (PMID: 32461654). The variant has been reported in ClinVar (Variation ID 485509). In silico tools suggest the impact of the variant on protein function is benign, though these predictions have not been confirmed by functional studies. The evidence is insufficient to meet ACMG/AMP criteria for classifying the variant as benign or pathogenic. Thus, the clinical significance of this variant is currently uncertain.

NM_004064.5(CDKN1B):c.485C>T (p.Thr162Ile)

Gene: CDKN1B (cyclin dependent kinase inhibitor 1B; plus strand). Cytogenetic location: 12p13.1.
Variant type: single nucleotide variant.
Coding change: c.485C>T on transcript NM_004064.5 (MANE Select); coding-DNA position 485, C replaced by T.
Protein change: p.Thr162Ile; replaces threonine 162 with isoleucine.
Molecular consequence: missense variant.
Genome position (GRCh38, 1-based): chr12:12,718,834, C>T. VCF-style: chr12-12718834-C-T. GRCh37 (hg19) VCF-style: chr12-12871768-C-T.
Other names: short protein forms T162I.
Identifiers: ClinVar variation 485509 (VCV000485509.15), dbSNP rs774965131, ClinGen allele CA6457550.